The following is an entry in ClinVar:

ClinVar aggregate classification (germline): Pathogenic (1 of 4 stars; one submission).

Conditions:
Hypohidrotic X-linked ectodermal dysplasia (XHED). Also called: ECTODERMAL DYSPLASIA, HYPOHIDROTIC, 1; CST SYNDROME; Christ-Siemans-Touraine syndrome; ECTODERMAL DYSPLASIA 1; Ectodermal Dysplasia 1, Anhidrotic; Anhidrotic ectodermal dysplasia X-linked. Identifiers: Orphanet 181, Orphanet 238468, MedGen C0162359, MONDO:0010585, OMIM 305100.

Submission:

Labcorp Genetics (formerly Invitae), Labcorp
Classification: Pathogenic for Hypohidrotic X-linked ectodermal dysplasia. Last evaluated: 2018-01-05. Review status: criteria provided, single submitter. Criteria: Invitae Variant Classification Sherloc (09022015). Collection method: clinical testing. Allele origin: germline.
Comment: For these reasons, this variant has been classified as Pathogenic. Loss-of-function variants in EDA are known to be pathogenic (PMID: 9683615). This sequence change creates a premature translational stop signal (p.Pro196Thrfs*6) in the EDA gene. It is expected to result in an absent or disrupted protein product. This variant is not present in population databases (ExAC no frequency). This variant has not been reported in the literature in individuals with EDA-related disease.

Literature cited by the submitters: PubMed 9683615.

NM_001399.5(EDA):c.585_697del (p.Pro196fs)

Gene: EDA (ectodysplasin A; plus strand). Cytogenetic location: Xq13.1.
Variant type: Deletion.
Coding change: c.585_697del on transcript NM_001399.5 (MANE Select); coding-DNA positions 585 to 697, 113 bases deleted.
Protein change: p.Pro196fs; shifts the reading frame from proline 196.
Molecular consequence: frameshift variant.
Genome position (GRCh38, 1-based): chrX:70,027,915-70,028,027, 113 bases deleted. GRCh37 (hg19): chrX:69,247,765-69,247,877.
Other names: c.585_697del, p.Pro196fs (NM_001005609.2, NM_001005612.3); short protein forms P196fs.
Identifiers: ClinVar variation 1076054 (VCV001076054.7), dbSNP rs2147509660, ClinGen allele CA2499226812.